The following is an entry in ClinVar:

NM_001854.4(COL11A1):c.4857T>C (p.Asp1619=)

Gene: COL11A1 (collagen type XI alpha 1 chain; minus strand). Cytogenetic location: 1p21.1.
Variant type: single nucleotide variant.
Coding change: c.4857T>C on transcript NM_001854.4 (MANE Select); coding-DNA position 4857, T replaced by C.
Protein change: p.Asp1619=; no amino-acid change (aspartic acid 1619 retained).
Molecular consequence: synonymous variant. On other transcripts: non-coding transcript variant (1).
Genome position (GRCh38, 1-based): chr1:102,886,808, A>G on the plus strand (T>C on the coding strand, the complement: COL11A1 is on the minus strand). VCF-style: chr1-102886808-A-G. GRCh37 (hg19) VCF-style: chr1-103352364-A-G.
Other names: c.4509T>C, p.Asp1503= (NM_001168249.1, NM_080630.4); c.4740T>C, p.Asp1580= (NM_001190709.2); c.4893T>C, p.Asp1631= (NM_080629.3).
Identifiers: ClinVar variation 2055448 (VCV002055448.4), dbSNP rs1380883364, ClinGen allele CA419253634.

ClinVar aggregate classification (germline): Uncertain significance (1 of 4 stars; one submission).

Allele frequency attached by ClinVar (database versions not stated): TOPMed below 0.00001; gnomAD 0.00001.
gnomAD v4.1: 1 of 1,613,776 alleles (0.000062%); highest among the groups gnomAD compares: Non-Finnish European, 0.000085%; no homozygotes.

Submission:

Labcorp Genetics (formerly Invitae), Labcorp
Classification: Uncertain significance. Last evaluated: 2023-12-15. Review status: criteria provided, single submitter. Criteria: Invitae Variant Classification Sherloc (09022015). Collection method: clinical testing. Allele origin: germline.
Comment: This sequence change affects codon 1619 of the COL11A1 mRNA. It is a 'silent' change, meaning that it does not change the encoded amino acid sequence of the COL11A1 protein. It affects a nucleotide within the consensus splice site. This variant is not present in population databases (gnomAD no frequency). This variant has not been reported in the literature in individuals affected with COL11A1-related conditions. ClinVar contains an entry for this variant (Variation ID: 2055448). Algorithms developed to predict the effect of sequence changes on RNA splicing suggest that this variant is not likely to affect RNA splicing. In summary, the available evidence is currently insufficient to determine the role of this variant in disease. Therefore, it has been classified as a Variant of Uncertain Significance.